The following is an entry in ClinVar:

ClinVar aggregate classification (germline): Uncertain significance (1 of 4 stars; one submission).

Conditions:
Hereditary spherocytosis type 5. Also called: EPB42-Related Hereditary Spherocytosis; EPB42-Related Spherocytosis. Identifiers: Orphanet 822, MedGen C2675192, MONDO:0012985, OMIM 612690.

gnomAD v4.1: 10 of 1,614,082 alleles (0.00062%); highest among the groups gnomAD compares: Non-Finnish European, 0.00085%; no homozygotes.

Submission:

ARUP Laboratories, Molecular Genetics and Genomics, ARUP Laboratories
Classification: Uncertain significance for Hereditary spherocytosis type 5. Last evaluated: 2025-05-14. Review status: criteria provided, single submitter. Criteria: ARUP Molecular Germline Variant Investigation Process 2024. Collection method: clinical testing. Allele origin: germline.
Comment: The EPB42 c.1615C>G; p.Leu539Val variant (rs1156555124), to our knowledge, is not reported in the medical literature or gene specific databases. This variant is only observed on two alleles in the Genome Aggregation Database (v2.1.1), indicating it is not a common polymorphism. Computational analyses are uncertain whether this variant is neutral or deleterious (REVEL: 0.444). Due to limited information, the clinical significance of this variant is uncertain at this time.

NM_001114134.2(EPB42):c.1525C>G (p.Leu509Val)

Gene: EPB42 (erythrocyte membrane protein band 4.2; minus strand). Cytogenetic location: 15q15.2.
Variant type: single nucleotide variant.
Coding change: c.1525C>G on transcript NM_001114134.2 (MANE Select); coding-DNA position 1525, C replaced by G.
Protein change: p.Leu509Val; replaces leucine 509 with valine.
Molecular consequence: missense variant.
Genome position (GRCh38, 1-based): chr15:43,206,423, G>C on the plus strand (C>G on the coding strand, the complement: EPB42 is on the minus strand). VCF-style: chr15-43206423-G-C. GRCh37 (hg19) VCF-style: chr15-43498621-G-C.
Other names: c.1615C>G, p.Leu539Val (NM_000119.3); short protein forms L509V, L539V.
Identifiers: ClinVar variation 4685815 (VCV004685815.1).